The following is an entry in ClinVar:

ClinVar aggregate classification (germline): Likely pathogenic (1 of 4 stars; one submission).

Conditions:
Nephronophthisis 4 (NPHP4). Also called: NEPHRONOPHTHISIS 4, JUVENILE. Identifiers: Orphanet 655, MedGen C1847013, MONDO:0011752, OMIM 606966.

Submission:

MVZ Medizinische Genetik Mainz
Classification: Likely pathogenic for Nephronophthisis 4. Last evaluated: 2025-04-02. Review status: criteria provided, single submitter. Criteria: UK Practice Guidelines For Variant Classification V4 01 2020. Collection method: clinical testing. Allele origin: germline. Inheritance: Autosomal recessive inheritance. Affected: yes. Observed: 1 variant allele.
Comment: ACMG Criteria: PVS1,PM2_SUP

NM_015102.5(NPHP4):c.1781C>A (p.Ser594Ter)

Gene: NPHP4 (nephrocystin 4; minus strand). Cytogenetic location: 1p36.31.
Variant type: single nucleotide variant.
Coding change: c.1781C>A on transcript NM_015102.5 (MANE Select); coding-DNA position 1781, C replaced by A.
Protein change: p.Ser594Ter; replaces serine 594 with a stop codon.
Molecular consequence: nonsense. On other transcripts: non-coding transcript variant (1).
Genome position (GRCh38, 1-based): chr1:5,905,466, G>T on the plus strand (C>A on the coding strand, the complement: NPHP4 is on the minus strand). VCF-style: chr1-5905466-G-T. GRCh37 (hg19) VCF-style: chr1-5965526-G-T.
Other names: c.242C>A, p.Ser81Ter (NM_001291593.2); c.245C>A, p.Ser82Ter (NM_001291594.2); short protein forms S594*, S81*, S82*.
Identifiers: ClinVar variation 3894549 (VCV003894549.1).